The following is an entry in ClinVar:

NM_000264.5(PTCH1):c.3230A>G (p.Lys1077Arg)

Gene: PTCH1 (patched 1; minus strand). Cytogenetic location: 9q22.32.
Variant type: single nucleotide variant.
Coding change: c.3230A>G on transcript NM_000264.5 (MANE Select); coding-DNA position 3230, A replaced by G.
Protein change: p.Lys1077Arg; replaces lysine 1077 with arginine.
Molecular consequence: missense variant. On other transcripts: non-coding transcript variant (1).
Genome position (GRCh38, 1-based): chr9:95,456,352, T>C on the plus strand (A>G on the coding strand, the complement: PTCH1 is on the minus strand). VCF-style: chr9-95456352-T-C. GRCh37 (hg19) VCF-style: chr9-98218634-T-C.
Other names: c.3032A>G, p.Lys1011Arg (NM_001083602.3); c.3227A>G, p.Lys1076Arg (NM_001083603.3); c.2777A>G, p.Lys926Arg (NM_001083604.3, NM_001083605.3, NM_001083606.3 and 1 more transcripts); c.3074A>G, p.Lys1025Arg (NM_001354918.2); short protein forms K1011R, K1025R, K1076R, K1077R, K926R.
Identifiers: ClinVar variation 4801794 (VCV004801794.1).

ClinVar aggregate classification (germline): Uncertain significance (1 of 4 stars; one submission).

Conditions:
Gorlin syndrome. Also called: Nevoid Basal Cell Carcinoma Syndrome; Basal cell nevus syndrome. Identifiers: Orphanet 377, MedGen C0004779, MONDO:0007187.

gnomAD v4.1: 1 of 1,614,122 alleles (0.000062%); highest among the groups gnomAD compares: East Asian, 0.0022%; no homozygotes.

Submission:

Labcorp Genetics (formerly Invitae), Labcorp
Classification: Uncertain significance for Gorlin syndrome. Last evaluated: 2026-01-12. Review status: criteria provided, single submitter. Criteria: Invitae Variant Classification Sherloc (09022015). Collection method: clinical testing. Allele origin: germline.
Comment: This sequence change replaces lysine, which is basic and polar, with arginine, which is basic and polar, at codon 1077 of the PTCH1 protein (p.Lys1077Arg). This variant is not present in population databases (gnomAD no frequency). This variant has not been reported in the literature in individuals affected with PTCH1-related conditions. Invitae Evidence Modeling of protein sequence and biophysical properties (such as structural, functional, and spatial information, amino acid conservation, physicochemical variation, residue mobility, and thermodynamic stability) has been performed for this missense variant. However, the output from this modeling did not meet the statistical confidence thresholds required to predict the impact of this variant on PTCH1 protein function. In summary, the available evidence is currently insufficient to determine the role of this variant in disease. Therefore, it has been classified as a Variant of Uncertain Significance.